The following is an entry in ClinVar:

ClinVar aggregate classification (germline): Pathogenic (1 of 4 stars; one submission).

Conditions:
Neurofibromatosis, type 1 (NF1). Also called: Neurofibromatosis, type I; NEUROFIBROMATOSIS, TYPE I, SOMATIC; Peripheral type neurofibromatosis; VON RECKLINGHAUSEN DISEASE. Identifiers: Orphanet 636, MedGen C0027831, MONDO:0018975, OMIM 162200. Disease mechanism: loss of function.

Submission:

Labcorp Genetics (formerly Invitae), Labcorp
Classification: Pathogenic for Neurofibromatosis, type 1. Last evaluated: 2023-05-01. Review status: criteria provided, single submitter. Criteria: Invitae Variant Classification Sherloc (09022015). Collection method: clinical testing. Allele origin: germline.
Comment: For these reasons, this variant has been classified as Pathogenic. This variant has not been reported in the literature in individuals affected with NF1-related conditions. This variant is not present in population databases (gnomAD no frequency). This sequence change creates a premature translational stop signal (p.Thr1951Metfs*7) in the NF1 gene. It is expected to result in an absent or disrupted protein product. Loss-of-function variants in NF1 are known to be pathogenic (PMID: 10712197, 23913538).

Literature cited by the submitters: PubMed 10712197; PubMed 23913538.

NM_001042492.3(NF1):c.5915del (p.Thr1972fs)

Gene: NF1 (neurofibromin 1; plus strand). Cytogenetic location: 17q11.2.
Variant type: Deletion.
Coding change: c.5915del on transcript NM_001042492.3 (MANE Select); coding-DNA position 5915, one base deleted (C; older notation c.5915delC).
Protein change: p.Thr1972fs; shifts the reading frame from threonine 1972.
Molecular consequence: frameshift variant.
Genome position (GRCh38, 1-based): chr17:31,334,940, C deleted. VCF-style (leftmost placement, unchanged base first): chr17-31334939-AC-A. GRCh37 (hg19) VCF-style: chr17-29661957-AC-A.
Other names: c.5852delC, p.Thr1951Metfs (NM_000267.4); short protein forms T1951fs, T1972fs.
Identifiers: ClinVar variation 2861021 (VCV002861021.3), dbSNP rs2508736942, ClinGen allele CA2739267482.